The following is an entry in ClinVar:

NM_017514.5(PLXNA3):c.2797G>A (p.Val933Met)

Gene: PLXNA3 (plexin A3; plus strand). Cytogenetic location: Xq28.
Variant type: single nucleotide variant.
Coding change: c.2797G>A on transcript NM_017514.5 (MANE Select); coding-DNA position 2797, G replaced by A.
Protein change: p.Val933Met; replaces valine 933 with methionine.
Molecular consequence: missense variant.
Genome position (GRCh38, 1-based): chrX:154,466,268, G>A. VCF-style: chrX-154466268-G-A. GRCh37 (hg19) VCF-style: chrX-153694611-G-A.
Other names: short protein forms V933M.
Identifiers: ClinVar variation 3348738 (VCV003348738.1).

ClinVar aggregate classification (germline): Uncertain significance (0 of 4 stars; one submission).

Conditions:
PLXNA3-related disorder. Also called: PLXNA3-related condition.

gnomAD v4.1: 2 of 1,208,098 alleles (0.00017%); highest among the groups gnomAD compares: African/African-American, 0.0017%; no homozygotes.

Submission:

PreventionGenetics, part of Exact Sciences
Classification: Uncertain significance for PLXNA3-related condition. Last evaluated: 2023-11-01. Review status: no assertion criteria provided. Collection method: clinical testing. Allele origin: germline.
Comment: The PLXNA3 c.2797G>A variant is predicted to result in the amino acid substitution p.Val933Met. To our knowledge, this variant has not been reported in the literature or in a large population database, indicating this variant is rare. At this time, the clinical significance of this variant is uncertain due to the absence of conclusive functional and genetic evidence.